The following is an entry in ClinVar:

NM_006035.4(CDC42BPB):c.3758G>A (p.Arg1253Lys)

Genes: CDC42BPB (CDC42 binding protein kinase beta; minus strand), LOC126862066 (CDK7 strongly-dependent group 2 enhancer GRCh37_chr14:103411482-103412681; plus strand). Cytogenetic location: 14q32.32.
Variant type: single nucleotide variant.
Coding change: c.3758G>A on transcript NM_006035.4 (MANE Select); coding-DNA position 3758, G replaced by A.
Protein change: p.Arg1253Lys; replaces arginine 1253 with lysine.
Molecular consequence: missense variant.
Genome position (GRCh38, 1-based): chr14:102,945,715, C>T on the plus strand (G>A on the coding strand, the complement: CDC42BPB is on the minus strand). VCF-style: chr14-102945715-C-T. GRCh37 (hg19) VCF-style: chr14-103412052-C-T.
Other names: c.3680G>A, p.Arg1227Lys (NM_001411054.1); short protein forms R1227K, R1253K.
Identifiers: ClinVar variation 4530855 (VCV004530855.1).

ClinVar aggregate classification (germline): Uncertain significance (1 of 4 stars; one submission).

gnomAD v4.1: 1 of 1,612,888 alleles (0.000062%); highest among the groups gnomAD compares: Non-Finnish European, 0.000085%; no homozygotes.

Submission:

GeneDx
Classification: Uncertain significance. Last evaluated: 2025-05-13. Review status: criteria provided, single submitter. Criteria: GeneDx Variant Classification Process June 2021. Collection method: clinical testing. Allele origin: germline. Affected: yes.
Comment: Not observed at significant frequency in large population cohorts (gnomAD); In silico analysis supports that this missense variant has a deleterious effect on protein structure/function; Has not been previously published as pathogenic or benign to our knowledge